The following is an entry in ClinVar:

ClinVar aggregate classification (germline): Likely pathogenic (1 of 4 stars; one submission).

Conditions:
Hereditary spastic paraplegia 4. Also called: Spastic paraplegia 4, autosomal dominant; Familial spastic paraplegia autosomal dominant 2; Spastic Paraplegia 4. Identifiers: Orphanet 100985, MedGen C1866855, MONDO:0008438, OMIM 182601.

Submission:

Variantyx, Inc.
Classification: Likely pathogenic for Hereditary spastic paraplegia 4. Last evaluated: 2025-06-10. Review status: criteria provided, single submitter. Criteria: Variantyx Assertion Criteria 2022. Collection method: clinical testing. Allele origin: germline. Inheritance: Autosomal dominant inheritance. Affected: yes.
Comment: This is a frameshift variant in the SPAST gene (OMIM: 604277). Pathogenic variants in this gene have been associated with autosomal dominant spastic paraplegia 4. This variant introduces a premature termination codon in exon 1 out of 7 and is expected to result in loss of function, which is a known disease mechanism for SPAST in this disorder (PMID: 25341883, 10610178, 10699187, 12124993) (PVS1). This variant is absent from control populations (PM2). Inter- and intrafamilial clinical variability has been described for this disorder (PMID: 9436729). Based on the current evidence, this variant is classified as likely pathogenic for autosomal dominant spastic paraplegia 4.

Literature cited by the submitters: PubMed 25341883; PubMed 10610178; PubMed 10699187; PubMed 12124993.

NM_014946.4(SPAST):c.394_395delinsA (p.Arg132fs)

Gene: SPAST (spastin; plus strand). Cytogenetic location: 2p22.3.
Variant type: Indel.
Coding change: c.394_395delinsA on transcript NM_014946.4 (MANE Select); coding-DNA positions 394 to 395, CG replaced by A.
Protein change: p.Arg132fs; shifts the reading frame from arginine 132.
Molecular consequence: frameshift variant.
Genome position (GRCh38, 1-based): chr2:32,064,225-32,064,226, CG replaced by A. VCF-style: chr2-32064225-CG-A. GRCh37 (hg19) VCF-style: chr2-32289294-CG-A.
Other names: c.394_395delinsA, p.Arg132fs (NM_199436.2, NM_001363823.2, NM_001363875.2 and 1 more transcripts); short protein forms R132fs.
Identifiers: ClinVar variation 4850799 (VCV004850799.1).